The following is an entry in ClinVar:

ClinVar aggregate classification (germline): Conflicting classifications of pathogenicity. Review status: criteria provided, conflicting classifications (1 of 4 stars). 7 submissions from 7 submitters: Uncertain significance (1); Benign (1); Likely benign (4). 1 of the submissions does not count toward it. Last evaluated 2026-05-13.

Conditions:
COL1A1-related disorder. Also called: COL1A1- related disease; COL1A1-related condition.
Cardiovascular phenotype. Identifiers: MedGen CN230736.
Osteogenesis imperfecta type I (OI1). Also called: OSTEOGENESIS IMPERFECTA WITH BLUE SCLERAE; Osteogenesis imperfecta type 1; Lobstein's Disease; OI, TYPE I; OSTEOGENESIS IMPERFECTA TARDA; Classic Non-deforming Osteogenesis Imperfecta with Blue Sclerae. Identifiers: Orphanet 216796, Orphanet 666, MedGen C0023931, MONDO:0008146, OMIM 166200. Disease mechanism: loss of function.

Allele frequency attached by ClinVar (database versions not stated): ExAC 0.00002; gnomAD 0.00036 and 0.00038; TOPMed 0.00039.
gnomAD v4.1: 103 of 1,613,824 alleles (0.0064%); highest among the groups gnomAD compares: Admixed American, 0.17%; 1 homozygote.

Submissions (7):

Women's Health and Genetics/Laboratory Corporation of America, LabCorp
Classification: Likely benign. Last evaluated: 2026-05-13. Review status: criteria provided, single submitter. Criteria: LabCorp Variant Classification Summary - May 2015. Collection method: clinical testing. Allele origin: germline.

Mayo Clinic Laboratories, Mayo Clinic
Classification: Likely benign. Last evaluated: 2025-12-18. Review status: criteria provided, single submitter. Criteria: ACMG Guidelines, 2015. Collection method: clinical testing. Allele origin: germline. Observed: 1 variant allele.
Comment: BS1

Labcorp Genetics (formerly Invitae), Labcorp
Classification: Benign for Osteogenesis imperfecta type I. Last evaluated: 2025-04-23. Review status: criteria provided, single submitter. Criteria: Invitae Variant Classification Sherloc (09022015). Collection method: clinical testing. Allele origin: germline.

Ambry Genetics
Classification: Uncertain significance for Cardiovascular phenotype. Last evaluated: 2024-10-05. Review status: criteria provided, single submitter. Criteria: Ambry Variant Classification Scheme 2023. Collection method: clinical testing. Allele origin: germline.
Comment: The p.P378A variant (also known as c.1132C>G), located in coding exon 17 of the COL1A1 gene, results from a C to G substitution at nucleotide position 1132. The proline at codon 378 is replaced by alanine, an amino acid with highly similar properties. This amino acid position is well conserved in available vertebrate species. In addition, the in silico prediction for this alteration is inconclusive. Based on the available evidence, the clinical significance of this variant remains unclear.

GeneDx
Classification: Likely benign. Last evaluated: 2020-10-29. Review status: criteria provided, single submitter. Criteria: GeneDx Variant Classification Process June 2021. Collection method: clinical testing. Allele origin: germline. Affected: yes.
Comment: Occurs in the triple helical domain at the X position in the canonical Gly-X-Y repeat; although this variant may have an effect on normal protein folding and function, missense substitution at the X position is not a common mechanism of disease (Stenson et al., 2014)

ARUP Laboratories, Molecular Genetics and Genomics, ARUP Laboratories
Classification: Likely benign. Last evaluated: 2019-12-19. Review status: criteria provided, single submitter. Criteria: ARUP Molecular Germline Variant Investigation Process. Collection method: clinical testing. Allele origin: germline.

PreventionGenetics, part of Exact Sciences
Classification: Likely benign for COL1A1-related condition. Last evaluated: 2020-12-29. Review status: no assertion criteria provided. Collection method: clinical testing. Allele origin: germline. Not counted in ClinVar's aggregate classification.
Comment: This variant is classified as likely benign based on ACMG/AMP sequence variant interpretation guidelines (Richards et al. 2015 PMID: 25741868, with internal and published modifications).

NM_000088.4(COL1A1):c.1132C>G (p.Pro378Ala)

Gene: COL1A1 (collagen type I alpha 1 chain; minus strand). Cytogenetic location: 17q21.33.
Variant type: single nucleotide variant.
Coding change: c.1132C>G on transcript NM_000088.4 (MANE Select); coding-DNA position 1132, C replaced by G.
Protein change: p.Pro378Ala; replaces proline 378 with alanine.
Molecular consequence: missense variant.
Genome position (GRCh38, 1-based): chr17:50,195,590, G>C on the plus strand (C>G on the coding strand, the complement: COL1A1 is on the minus strand). VCF-style: chr17-50195590-G-C. GRCh37 (hg19) VCF-style: chr17-48272951-G-C.
Other names: p.Pro378Ala; short protein forms P378A.
Identifiers: ClinVar variation 526872 (VCV000526872.27), dbSNP rs764381074, ClinGen allele CA8645389.